The following is an entry in ClinVar:

ClinVar aggregate classification (germline): Uncertain significance. Review status: criteria provided, multiple submitters, no conflicts (2 of 4 stars). 4 submissions from 4 submitters: Uncertain significance (2). 2 of the submissions do not count toward it. Last evaluated 2024-08-21.

Allele frequency attached by ClinVar (database versions not stated): ExAC 0.00002; gnomAD 0.00002; TOPMed 0.00002; gnomAD exomes 0.00004 and 0.00005.
gnomAD v4.1: 64 of 1,613,532 alleles (0.004%); highest among the groups gnomAD compares: Non-Finnish European, 0.005%; no homozygotes.

Submissions (4):

Blueprint Genetics
Classification: Uncertain significance. Last evaluated: 2024-08-21. Review status: criteria provided, single submitter. Criteria: ACMG Guidelines, 2015. Collection method: clinical testing. Allele origin: germline.

Labcorp Genetics (formerly Invitae), Labcorp
Classification: Uncertain significance. Last evaluated: 2022-08-31. Review status: criteria provided, single submitter. Criteria: Invitae Variant Classification Sherloc (09022015). Collection method: clinical testing. Allele origin: germline.
Comment: This sequence change replaces serine, which is neutral and polar, with phenylalanine, which is neutral and non-polar, at codon 730 of the CDHR1 protein (p.Ser730Phe). This variant is present in population databases (rs779187975, gnomAD 0.009%). This variant has not been reported in the literature in individuals affected with CDHR1-related conditions. ClinVar contains an entry for this variant (Variation ID: 1284413). Advanced modeling of protein sequence and biophysical properties (such as structural, functional, and spatial information, amino acid conservation, physicochemical variation, residue mobility, and thermodynamic stability) performed at Invitae indicates that this missense variant is not expected to disrupt CDHR1 protein function. In summary, the available evidence is currently insufficient to determine the role of this variant in disease. Therefore, it has been classified as a Variant of Uncertain Significance.

Clinical Genetics DNA and cytogenetics Diagnostics Lab, Erasmus MC, Erasmus Medical Center
Classification: Uncertain significance. Review status: no assertion criteria provided. Collection method: clinical testing. Allele origin: germline. Affected: yes. Study: VKGL Data-share Consensus. Not counted in ClinVar's aggregate classification.

Clinical Genetics, Academic Medical Center
Classification: Uncertain significance. Review status: no assertion criteria provided. Collection method: clinical testing. Allele origin: germline. Affected: yes. Study: VKGL Data-share Consensus. Not counted in ClinVar's aggregate classification.

NM_033100.4(CDHR1):c.2189C>T (p.Ser730Phe)

Gene: CDHR1 (cadherin related family member 1; plus strand). Cytogenetic location: 10q23.1.
Variant type: single nucleotide variant.
Coding change: c.2189C>T on transcript NM_033100.4 (MANE Select); coding-DNA position 2189, C replaced by T.
Protein change: p.Ser730Phe; replaces serine 730 with phenylalanine.
Molecular consequence: missense variant. On other transcripts: intron variant (1).
Genome position (GRCh38, 1-based): chr10:84,214,230, C>T. VCF-style: chr10-84214230-C-T. GRCh37 (hg19) VCF-style: chr10-85973986-C-T.
Other names: c.2040+882C>T (NM_001171971.3); short protein forms S730F.
Identifiers: ClinVar variation 1284413 (VCV001284413.9), dbSNP rs779187975, ClinGen allele CA5580165.